The following is an entry in ClinVar:

NM_144997.7(FLCN):c.1409G>A (p.Gly470Glu)

Gene: FLCN (folliculin; minus strand). Cytogenetic location: 17p11.2.
Variant type: single nucleotide variant.
Coding change: c.1409G>A on transcript NM_144997.7 (MANE Select); coding-DNA position 1409, G replaced by A.
Protein change: p.Gly470Glu; replaces glycine 470 with glutamic acid.
Molecular consequence: missense variant.
Genome position (GRCh38, 1-based): chr17:17,215,208, C>T on the plus strand (G>A on the coding strand, the complement: FLCN is on the minus strand). VCF-style: chr17-17215208-C-T. GRCh37 (hg19) VCF-style: chr17-17118522-C-T.
Other names: c.1463G>A, p.Gly488Glu (NM_001353229.2); c.1409G>A, p.Gly470Glu (NM_001353230.2, NM_001353231.2); short protein forms G470E, G488E.
Identifiers: ClinVar variation 4871377 (VCV004871377.1).

ClinVar aggregate classification (germline): Uncertain significance (1 of 4 stars; one submission).

Conditions:
Hereditary cancer-predisposing syndrome. Also called: Neoplastic Syndromes, Hereditary; Hereditary Cancer Syndrome; Hereditary neoplastic syndrome; Tumor predisposition. Identifiers: Orphanet 140162, MedGen C0027672, MeSH D009386, MONDO:0015356.

Submission:

Ambry Genetics
Classification: Uncertain significance for Hereditary cancer-predisposing syndrome. Last evaluated: 2026-03-31. Review status: criteria provided, single submitter. Criteria: Ambry Variant Classification Scheme 2023. Collection method: clinical testing. Allele origin: germline.
Comment: The p.G470E variant (also known as c.1409G>A), located in coding exon 9 of the FLCN gene, results from a G to A substitution at nucleotide position 1409. The glycine at codon 470 is replaced by glutamic acid, an amino acid with similar properties. This amino acid position is conserved. In addition, this alteration is predicted to be deleterious by in silico analysis. Based on the available evidence, the clinical significance of this variant remains unclear.